The following is an entry in ClinVar:

ClinVar aggregate classification (germline): Uncertain significance (1 of 4 stars; one submission).

Conditions:
Symmetrical dyschromatosis of extremities (DSH). Also called: DYSCHROMATOSIS SYMMETRICA HEREDITARIA 1; RETICULATE ACROPIGMENTATION OF DOHI; SYMMETRIC DYSCHROMATOSIS OF THE EXTREMITIES; Dyschromatosis symmetrica hereditaria. Identifiers: Orphanet 41, MedGen C0406775, MONDO:0007483, OMIM 127400.
Aicardi-Goutieres syndrome 6 (AGS6). Identifiers: Orphanet 51, MedGen C3539013, MONDO:0014007, OMIM 615010.

Submission:

Labcorp Genetics (formerly Invitae), Labcorp
Classification: Uncertain significance for Aicardi-Goutieres syndrome 6; Symmetrical dyschromatosis of extremities. Last evaluated: 2025-12-14. Review status: criteria provided, single submitter. Criteria: Invitae Variant Classification Sherloc (09022015). Collection method: clinical testing. Allele origin: germline.
Comment: This variant, c.1714_1719dup, results in the insertion of 2 amino acid(s) of the ADAR protein (p.Glu572_Ala573dup), but otherwise preserves the integrity of the reading frame. This variant is present in population databases (rs774083659, gnomAD 0.003%). This variant has not been reported in the literature in individuals affected with ADAR-related conditions. In summary, the available evidence is currently insufficient to determine the role of this variant in disease. Therefore, it has been classified as a Variant of Uncertain Significance.

NM_001111.5(ADAR):c.1714_1719dup (p.Ala573_Lys574insGluAla)

Gene: ADAR (adenosine deaminase RNA specific; minus strand). Cytogenetic location: 1q21.3.
Variant type: Duplication.
Coding change: c.1714_1719dup on transcript NM_001111.5 (MANE Select); coding-DNA positions 1714 to 1719, 6 bases duplicated (GAAGCC; older notation c.1714_1719dupGAAGCC).
Protein change: p.Ala573_Lys574insGluAla.
Genome position (GRCh38, 1-based): chr1:154,598,468-154,598,473, GGCTTC duplicated on the plus strand (GAAGCC on the coding strand, the reverse complement: ADAR is on the minus strand). VCF-style (leftmost placement, unchanged base first): chr1-154598467-T-TGGCTTC. GRCh37 (hg19) VCF-style: chr1-154570943-T-TGGCTTC.
Other names: c.829_834dup, p.Ala278_Lys279insGluAla (NM_001025107.3, NM_001193495.2, NM_001365046.1 and 3 more transcripts); c.1741_1746dup, p.Ala582_Lys583insGluAla (NM_001365045.1); c.1714_1719dup, p.Ala573_Lys574insGluAla (NM_015840.4, NM_015841.4).
Identifiers: ClinVar variation 4793423 (VCV004793423.1).